The following is an entry in ClinVar:

ClinVar aggregate classification (germline): Uncertain significance (1 of 4 stars; one submission).

Allele frequency attached by ClinVar (database versions not stated): TOPMed below 0.00001; gnomAD exomes 0.00001; gnomAD 0.00001.

Submission:

Labcorp Genetics (formerly Invitae), Labcorp
Classification: Uncertain significance. Last evaluated: 2025-10-23. Review status: criteria provided, single submitter. Criteria: Invitae Variant Classification Sherloc (09022015). Collection method: clinical testing. Allele origin: germline.
Comment: This sequence change replaces alanine, which is neutral and non-polar, with valine, which is neutral and non-polar, at codon 406 of the RELA protein (p.Ala406Val). This variant is not present in population databases (gnomAD no frequency). This variant has not been reported in the literature in individuals affected with RELA-related conditions. ClinVar contains an entry for this variant (Variation ID: 2901736). An algorithm developed to predict the effect of missense changes on protein structure and function (PolyPhen-2) suggests that this variant is likely to be tolerated. In summary, the available evidence is currently insufficient to determine the role of this variant in disease. Therefore, it has been classified as a Variant of Uncertain Significance.

NM_021975.4(RELA):c.1217C>T (p.Ala406Val)

Gene: RELA (RELA proto-oncogene, NF-kB subunit; minus strand). Cytogenetic location: 11q13.1.
Variant type: single nucleotide variant.
Coding change: c.1217C>T on transcript NM_021975.4 (MANE Select); coding-DNA position 1217, C replaced by T.
Protein change: p.Ala406Val; replaces alanine 406 with valine.
Molecular consequence: missense variant. On other transcripts: intron variant (1), splice donor variant (1).
Genome position (GRCh38, 1-based): chr11:65,654,817, G>A on the plus strand (C>T on the coding strand, the complement: RELA is on the minus strand). VCF-style: chr11-65654817-G-A. GRCh37 (hg19) VCF-style: chr11-65422288-G-A.
Other names: c.1208C>T, p.Ala403Val (NM_001145138.2); c.1250C>T, p.Ala417Val (NM_001404657.1); c.1190C>T, p.Ala397Val (NM_001404658.1); c.1004C>T, p.Ala335Val (NM_001404659.1); c.899C>T, p.Ala300Val (NM_001404660.1); c.836C>T, p.Ala279Val (NM_001404661.1); c.1124C>T, p.Ala375Val (NM_001404662.1, NM_001404663.1); c.1034-24C>T (NM_001243984.2); and 1 more; short protein forms A300V, A417V, A397V, A279V, A403V, A335V, A375V, A406V.
Identifiers: ClinVar variation 2901736 (VCV002901736.3), dbSNP rs1856377422, ClinGen allele CA381387709.